The following is an entry in ClinVar:

ClinVar aggregate classification (germline): Uncertain significance (1 of 4 stars; one submission).

gnomAD v4.1: 4 of 1,614,058 alleles (0.00025%); highest among the groups gnomAD compares: African/African-American, 0.0013%; no homozygotes.

Submission:

Labcorp Genetics (formerly Invitae), Labcorp
Classification: Uncertain significance. Last evaluated: 2025-03-26. Review status: criteria provided, single submitter. Criteria: Invitae Variant Classification Sherloc (09022015). Collection method: clinical testing. Allele origin: germline.
Comment: This sequence change replaces threonine, which is neutral and polar, with alanine, which is neutral and non-polar, at codon 125 of the SULF1 protein (p.Thr125Ala). This variant is present in population databases (no rsID available, gnomAD 0.007%). This variant has not been reported in the literature in individuals affected with SULF1-related conditions. An algorithm developed to predict the effect of missense changes on protein structure and function (PolyPhen-2) suggests that this variant is likely to be disruptive. In summary, the available evidence is currently insufficient to determine the role of this variant in disease. Therefore, it has been classified as a Variant of Uncertain Significance.

NM_001128205.2(SULF1):c.373A>G (p.Thr125Ala)

Gene: SULF1 (sulfatase 1; plus strand). Cytogenetic location: 8q13.2.
Variant type: single nucleotide variant.
Coding change: c.373A>G on transcript NM_001128205.2 (MANE Select); coding-DNA position 373, A replaced by G.
Protein change: p.Thr125Ala; replaces threonine 125 with alanine.
Molecular consequence: missense variant. On other transcripts: 5 prime UTR variant (3), non-coding transcript variant (6).
Genome position (GRCh38, 1-based): chr8:69,576,170, A>G. VCF-style: chr8-69576170-A-G. GRCh37 (hg19) VCF-style: chr8-70488405-A-G.
Other names: c.373A>G, p.Thr125Ala (NM_001128204.2, NM_001128206.2, NM_001412828.1 and 18 more transcripts); c.187A>G, p.Thr63Ala (NM_001412841.1, NM_001412842.1); c.-154A>G (NM_001412844.1, NM_001412845.1); c.-1329A>G (NM_001412846.1); short protein forms T125A, T63A.
Identifiers: ClinVar variation 4709086 (VCV004709086.1).